The following is an entry in ClinVar:

NM_000421.5(KRT10):c.742G>A (p.Val248Met)

Genes: KRT10 (keratin 10; minus strand), KRT10-AS1 (KRT10 antisense RNA 1; plus strand), LOC126862559 (BRD4-independent group 4 enhancer GRCh37_chr17:38975907-38977106; plus strand). Cytogenetic location: 17q21.2.
Variant type: single nucleotide variant.
Coding change: c.742G>A on transcript NM_000421.5 (MANE Select); coding-DNA position 742, G replaced by A.
Protein change: p.Val248Met; replaces valine 248 with methionine.
Molecular consequence: missense variant.
Genome position (GRCh38, 1-based): chr17:40,820,636, C>T on the plus strand (G>A on the coding strand, the complement: KRT10 is on the minus strand). VCF-style: chr17-40820636-C-T. GRCh37 (hg19) VCF-style: chr17-38976888-C-T.
Other names: c.742G>A, p.Val248Met (NM_001379366.1); short protein forms V248M.
Identifiers: ClinVar variation 2721340 (VCV002721340.4), dbSNP rs201691005, ClinGen allele CA8548203.
Genomic context (GRCh38, chr17:40,820,636, plus strand): 5'-CAGCCTTGGTCAGGGTCAGCTCATCCAGCACCCTACGCAGGCCGTTGATGTCAGCCTCCA[C>T]GCTCTGGCGCAGAGCTACCTCATTCTCATACCTGAAACAAGCATGATATCAATACTGGTT-3'
Protein context (NP_000412.4, residues 238-258): YENEVALRQS[Val248Met]EADINGLRRV

ClinVar aggregate classification (germline): Uncertain significance. Review status: criteria provided, multiple submitters, no conflicts (2 of 4 stars). 2 submissions from 2 submitters: Uncertain significance (2). Last evaluated 2024-05-14.

Allele frequency attached by ClinVar (database versions not stated): gnomAD 0.00004; gnomAD exomes 0.00004; ESP Exome Variant Server 0.00008; TOPMed 0.00011; ExAC 0.00012.
gnomAD v4.1: 67 of 1,614,094 alleles (0.0042%); highest among the groups gnomAD compares: Admixed American, 0.062%; no homozygotes.

Submissions (2):

GeneDx
Classification: Uncertain significance. Last evaluated: 2024-05-14. Review status: criteria provided, single submitter. Criteria: GeneDx Variant Classification Process June 2021. Collection method: clinical testing. Allele origin: germline. Affected: yes.
Comment: In silico analysis supports that this missense variant has a deleterious effect on protein structure/function; Has not been previously published as pathogenic or benign to our knowledge

Labcorp Genetics (formerly Invitae), Labcorp
Classification: Uncertain significance. Last evaluated: 2023-12-28. Review status: criteria provided, single submitter. Criteria: Invitae Variant Classification Sherloc (09022015). Collection method: clinical testing. Allele origin: germline.
Comment: This sequence change replaces valine, which is neutral and non-polar, with methionine, which is neutral and non-polar, at codon 248 of the KRT10 protein (p.Val248Met). This variant is present in population databases (rs201691005, gnomAD 0.1%). This variant has not been reported in the literature in individuals affected with KRT10-related conditions. Advanced modeling of protein sequence and biophysical properties (such as structural, functional, and spatial information, amino acid conservation, physicochemical variation, residue mobility, and thermodynamic stability) performed at Invitae indicates that this missense variant is not expected to disrupt KRT10 protein function with a negative predictive value of 80%. In summary, the available evidence is currently insufficient to determine the role of this variant in disease. Therefore, it has been classified as a Variant of Uncertain Significance.